The following is an entry in ClinVar:

ClinVar aggregate classification (germline): Uncertain significance. Review status: criteria provided, multiple submitters, no conflicts (2 of 4 stars). 2 submissions from 2 submitters: Uncertain significance (2). Last evaluated 2025-10-21.

Allele frequency attached by ClinVar (database versions not stated): gnomAD exomes below 0.00001; gnomAD 0.00002; TOPMed 0.00002.
gnomAD v4.1: 5 of 1,613,460 alleles (0.00031%); highest among the groups gnomAD compares: African/African-American, 0.004%; no homozygotes.

Submissions (2):

Women's Health and Genetics/Laboratory Corporation of America, LabCorp
Classification: Uncertain significance. Last evaluated: 2025-10-21. Review status: criteria provided, single submitter. Criteria: LabCorp Variant Classification Summary - May 2015. Collection method: clinical testing. Allele origin: germline.
Comment: Variant summary: DMXL2 c.6014A>G (p.Glu2005Gly) results in a non-conservative amino acid change in the encoded protein sequence. Algorithms developed to predict the effect of missense changes on protein structure and function are either unavailable or do not agree on the potential impact of this missense change. The variant was absent in 250906 control chromosomes. The available data on variant occurrences in the general population are insufficient to allow any conclusion about variant significance. To our knowledge, no occurrence of c.6014A>G in individuals affected with DMXL2-related conditions and no experimental evidence demonstrating its impact on protein function have been reported. ClinVar contains an entry for this variant (Variation ID: 1514679). Based on the evidence outlined above, the variant was classified as uncertain significance.

Labcorp Genetics (formerly Invitae), Labcorp
Classification: Uncertain significance. Last evaluated: 2024-03-23. Review status: criteria provided, single submitter. Criteria: Invitae Variant Classification Sherloc (09022015). Collection method: clinical testing. Allele origin: germline.
Comment: This sequence change replaces glutamic acid, which is acidic and polar, with glycine, which is neutral and non-polar, at codon 2005 of the DMXL2 protein (p.Glu2005Gly). This variant is present in population databases (no rsID available, gnomAD 0.01%). This variant has not been reported in the literature in individuals affected with DMXL2-related conditions. ClinVar contains an entry for this variant (Variation ID: 1514679). Algorithms developed to predict the effect of missense changes on protein structure and function output the following: SIFT: "Not Available"; PolyPhen-2: "Benign"; Align-GVGD: "Not Available". The glycine amino acid residue is found in multiple mammalian species, which suggests that this missense change does not adversely affect protein function. In summary, the available evidence is currently insufficient to determine the role of this variant in disease. Therefore, it has been classified as a Variant of Uncertain Significance.

NM_001378457.1(DMXL2):c.6014A>G (p.Glu2005Gly)

Gene: DMXL2 (Dmx like 2; minus strand). Cytogenetic location: 15q21.2.
Variant type: single nucleotide variant.
Coding change: c.6014A>G on transcript NM_001378457.1 (MANE Select); coding-DNA position 6014, A replaced by G.
Protein change: p.Glu2005Gly; replaces glutamic acid 2005 with glycine.
Molecular consequence: missense variant. On other transcripts: non-coding transcript variant (2).
Genome position (GRCh38, 1-based): chr15:51,481,092, T>C on the plus strand (A>G on the coding strand, the complement: DMXL2 is on the minus strand). VCF-style: chr15-51481092-T-C. GRCh37 (hg19) VCF-style: chr15-51773289-T-C.
Other names: c.6014A>G, p.Glu2005Gly (NM_001174116.3, NM_001378458.1, NM_001378459.1 and 4 more transcripts); c.4106A>G, p.Glu1369Gly (NM_001174117.3); c.3995A>G, p.Glu1332Gly (NM_001378460.1); c.5774A>G, p.Glu1925Gly (NM_001378464.1); short protein forms E1332G, E1925G, E2005G, E1369G.
Identifiers: ClinVar variation 1514679 (VCV001514679.6), dbSNP rs1448308171, ClinGen allele CA392444565.
Genomic context (GRCh38, chr15:51,481,092, plus strand): 5'-TCCTGAGGTGTTAATAACATGTTAGGGTCTGAGGCCTTCTGATCTGATTGTTTATCTTTT[T>C]CCCTGGCATCTGTACTTTTCATCACTAAACCAACAGCATCGTCTTCCTCTTCATCTAAGG-3'
Protein context (NP_001365386.1, residues 1995-2015): GLVMKSTDAR[Glu2005Gly]KDKQSDQKAS